The following is an entry in ClinVar:

NM_000152.5(GAA):c.2338G>A (p.Val780Ile)

Gene: GAA (alpha glucosidase; plus strand). Cytogenetic location: 17q25.3.
Variant type: single nucleotide variant.
Coding change: c.2338G>A on transcript NM_000152.5 (MANE Select); coding-DNA position 2338, G replaced by A.
Protein change: p.Val780Ile; replaces valine 780 with isoleucine.
Molecular consequence: missense variant.
Genome position (GRCh38, 1-based): chr17:80,117,606, G>A. VCF-style: chr17-80117606-G-A. GRCh37 (hg19) VCF-style: chr17-78091405-G-A.
Other names: c.2338G>A, p.Val780Ile (NM_001079803.3, NM_001079804.3, LRG_673t1); short protein forms V780I.
Identifiers: ClinVar variation 92476 (VCV000092476.45), dbSNP rs1126690, ClinGen allele CA145769.

ClinVar aggregate classification (germline): Benign. Review status: reviewed by expert panel (3 of 4 stars). 18 submissions from 18 submitters: Benign (1). 17 of the submissions do not count toward it. Last evaluated 2020-01-23.

Conditions:
Cardiovascular phenotype. Identifiers: MedGen CN230736.
Glycogen storage disease, type II (IOPD). Also called: POMPE DISEASE, INFANTILE-ONSET; GLYCOGEN STORAGE DISEASE II, INFANTILE-ONSET; ACID ALPHA-GLUCOSIDASE DEFICIENCY, INFANTILE-ONSET; GAA DEFICIENCY, INFANTILE-ONSET; ACID MALTASE DEFICIENCY, INFANTILE-ONSET; Pompe Disease. Identifiers: Orphanet 365, MedGen C0017921, MONDO:0009290, OMIM 232300.

Allele frequency attached by ClinVar (database versions not stated): gnomAD 0.72050 and 0.71839; 1000 Genomes Project 30x 0.71174; 1000 Genomes Project 0.71186; TOPMed 0.70053; ESP Exome Variant Server 0.73319.
gnomAD v4.1: 1,193,117 of 1,612,384 alleles (74%); highest among the groups gnomAD compares: Middle Eastern, 82%; 443,929 homozygotes.

Submissions (18):

ClinGen Lysosomal Storage Disorder Variant Curation Expert Panel
Classification: Benign for Glycogen storage disease, type II. Last evaluated: 2020-01-23. Review status: reviewed by expert panel. Criteria: ClinGen LSD ACMG Specifications v1. Collection method: curation. Allele origin: germline. Inheritance: Autosomal recessive inheritance.
Comment: The highest continental population minor allele frequency for c.2338G>A (p.Val780Ile) in gnomAD v2.1.1 is 0.8129 in the South Asian population. This is higher than the ClinGen LSD VCEP's BA1 threshold (>0.01), therefore meeting the BA1 criterion. There is a ClinVar entry for this variant (Variation ID: 92476; 2 star review status) with six submitters classifying the variant as benign. In summary, this variant meets the criteria to be classified as benign for Pompe disease. GAA-specific ACMG/AMP criteria applied, as specified by the ClinGen LSD VCEP: BA1.

Genomenon, Inc
Classification: Benign for Glycogen storage disease, type II. Last evaluated: 2026-07-01. Review status: criteria provided, single submitter. Criteria: Genomenon Sequence Variant Interpretation Standards - Updated. Collection method: curation. Allele origin: germline. Affected: no. Not counted in ClinVar's aggregate classification.
Comment: GAA p.Val780Ile (c.2338G>A) is a missense variant that changes the amino acid at codon 780 from Valine to Isoleucine. This variant is present at high allele frequency in population databases. We classify GAA p.Val780Ile (c.2338G>A) as a benign variant.

Labcorp Genetics (formerly Invitae), Labcorp
Classification: Benign for Glycogen storage disease, type II. Last evaluated: 2026-02-04. Review status: criteria provided, single submitter. Criteria: Invitae Variant Classification Sherloc (09022015). Collection method: clinical testing. Allele origin: germline. Not counted in ClinVar's aggregate classification.

Blueprint Genetics
Classification: Benign. Last evaluated: 2024-11-28. Review status: criteria provided, single submitter. Criteria: ACMG Guidelines, 2015. Collection method: clinical testing. Allele origin: germline. Not counted in ClinVar's aggregate classification.

Genome-Nilou Lab
Classification: Benign for Glycogen storage disease, type II. Last evaluated: 2021-06-10. Review status: criteria provided, single submitter. Criteria: ACMG Guidelines, 2015. Collection method: clinical testing. Allele origin: germline. Affected: no. Not counted in ClinVar's aggregate classification.

Ambry Genetics
Classification: Benign for Cardiovascular phenotype. Last evaluated: 2018-12-11. Review status: criteria provided, single submitter. Criteria: Ambry Variant Classification Scheme 2023. Collection method: clinical testing. Allele origin: germline. Not counted in ClinVar's aggregate classification.

Eurofins Ntd Llc (ga)
Classification: Benign. Last evaluated: 2018-09-04. Review status: criteria provided, single submitter. Criteria: EGL ClinVar v180209 classification definitions. Collection method: clinical testing. Allele origin: germline. Observed: 115 variant alleles, 54 heterozygotes, 61 homozygotes. Not counted in ClinVar's aggregate classification.

Illumina Laboratory Services, Illumina
Classification: Benign for Glycogen storage disease, type II. Last evaluated: 2018-01-13. Review status: criteria provided, single submitter. Criteria: ICSL Variant Classification Criteria 13 December 2019. Collection method: clinical testing. Allele origin: germline. Not counted in ClinVar's aggregate classification.
Comment: This variant was observed in the ICSL laboratory as part of a predisposition screen in an ostensibly healthy population. It had not been previously curated by ICSL or reported in the Human Gene Mutation Database (HGMD: prior to June 1st, 2018), and was therefore a candidate for classification through an automated scoring system. Utilizing variant allele frequency, disease prevalence and penetrance estimates, and inheritance mode, an automated score was calculated to assess if this variant is too frequent to cause the disease. Based on the score and internal cut-off values, a variant classified as benign is not then subjected to further curation. The score for this variant resulted in a classification of benign for this disease.

GeneDx
Classification: Benign. Last evaluated: 2015-03-03. Review status: criteria provided, single submitter. Criteria: GeneDx Variant Classification Process June 2021. Collection method: clinical testing. Allele origin: germline. Affected: yes. Not counted in ClinVar's aggregate classification.

Genetic Services Laboratory, University of Chicago
Classification: Benign for AllHighlyPenetrant. Last evaluated: 2013-08-15. Review status: criteria provided, single submitter. Criteria: ACMG Guidelines, 2007. Collection method: clinical testing. Allele origin: germline. Inheritance: Autosomal recessive inheritance. Not counted in ClinVar's aggregate classification.

Breakthrough Genomics
Classification: Benign. Review status: criteria provided, single submitter. Criteria: ACMG Guidelines, 2015. Collection method: not provided. Allele origin: germline. Inheritance: Autosomal recessive inheritance. Affected: yes. Not counted in ClinVar's aggregate classification.

PreventionGenetics, part of Exact Sciences
Classification: Benign. Review status: criteria provided, single submitter. Criteria: ACMG Guidelines, 2015. Collection method: clinical testing. Allele origin: germline. Not counted in ClinVar's aggregate classification.

Natera, Inc.
Classification: Benign for Glycogen storage disease type II. Last evaluated: 2019-11-18. Review status: no assertion criteria provided. Collection method: clinical testing. Allele origin: germline. Not counted in ClinVar's aggregate classification.

Mayo Clinic Laboratories, Mayo Clinic
Classification: Benign. Last evaluated: 2015-10-19. Review status: no assertion criteria provided. Collection method: clinical testing. Allele origin: unknown. Not counted in ClinVar's aggregate classification.

Department of Pathology and Laboratory Medicine, Sinai Health System
Classification: Uncertain significance. Review status: no assertion criteria provided. Collection method: clinical testing. Allele origin: unknown. Affected: yes. Study: The Canadian Open Genetics Repository (COGR). Not counted in ClinVar's aggregate classification.
Comment: multiple AR variants in same gene - keep for nowAllele frequency is common in at least one population database (frequency: 81.682% in ExAC) based on the frequency threshold of 2.76% for this gene.Variant was observed in a homozygous state in population databases more than expected for disease.7 reputable source/s reports the variant as benign, but the evidence is not available to the laboratory to perform an independent evaluation.

Diagnostic Laboratory, Department of Genetics, University Medical Center Groningen
Classification: Benign for Glycogen storage disease, type II. Review status: no assertion criteria provided. Collection method: clinical testing. Allele origin: germline. Affected: yes. Study: VKGL Data-share Consensus. Not counted in ClinVar's aggregate classification.

Genome Diagnostics Laboratory, University Medical Center Utrecht
Classification: Benign. Review status: no assertion criteria provided. Collection method: clinical testing. Allele origin: germline. Affected: yes. Study: VKGL Data-share Consensus. Not counted in ClinVar's aggregate classification.

Joint Genome Diagnostic Labs from Nijmegen and Maastricht, Radboudumc and MUMC+
Classification: Benign. Review status: no assertion criteria provided. Collection method: clinical testing. Allele origin: germline. Affected: yes. Study: VKGL Data-share Consensus. Not counted in ClinVar's aggregate classification.